The following is an entry in ClinVar:

ClinVar aggregate classification (germline): Uncertain significance. Review status: criteria provided, single submitter (1 of 4 stars). 2 submissions from 2 submitters: Uncertain significance (1). 1 of the submissions does not count toward it. Last evaluated 2025-06-01.

Conditions:
Neuropathy, hereditary sensory, type 2C. Also called: Hereditary sensory and autonomic neuropathy type IIC; KIF1A-Related HSAN2 (HSAN2C). Identifiers: Orphanet 970, MedGen C3280168, MONDO:0013634, OMIM 614213.
Intellectual disability, autosomal dominant 9 (NESCAVS). Also called: NESCAV SYNDROME; KIF1A-Related Neurodevelopmental Disorder. Identifiers: Orphanet 662367, MedGen C5393830, MONDO:0013656, OMIM 614255.
Hereditary spastic paraplegia 30. Identifiers: Orphanet 101010, MedGen C5235139, MONDO:0012476.
KIF1A-related disorder. Also called: KIF1A-related disorders; KIF1A-related condition.

gnomAD v4.1: 2 of 1,613,284 alleles (0.00012%); highest among the groups gnomAD compares: Non-Finnish European, 0.00017%; no homozygotes.

Submissions (2):

Labcorp Genetics (formerly Invitae), Labcorp
Classification: Uncertain significance for Hereditary spastic paraplegia 30; Neuropathy, hereditary sensory, type 2C; Intellectual disability, autosomal dominant 9. Last evaluated: 2025-06-01. Review status: criteria provided, single submitter. Criteria: Invitae Variant Classification Sherloc (09022015). Collection method: clinical testing. Allele origin: germline.
Comment: This sequence change replaces valine, which is neutral and non-polar, with methionine, which is neutral and non-polar, at codon 91 of the KIF1A protein (p.Val91Met). This variant is not present in population databases (gnomAD no frequency). This variant has not been reported in the literature in individuals affected with KIF1A-related conditions. ClinVar contains an entry for this variant (Variation ID: 3352849). Invitae Evidence Modeling of protein sequence and biophysical properties (such as structural, functional, and spatial information, amino acid conservation, physicochemical variation, residue mobility, and thermodynamic stability) indicates that this missense variant is expected to disrupt KIF1A protein function with a positive predictive value of 95%. In summary, the available evidence is currently insufficient to determine the role of this variant in disease. Therefore, it has been classified as a Variant of Uncertain Significance.

PreventionGenetics, part of Exact Sciences
Classification: Uncertain significance for KIF1A-related condition. Last evaluated: 2024-07-20. Review status: no assertion criteria provided. Collection method: clinical testing. Allele origin: germline. Not counted in ClinVar's aggregate classification.
Comment: The KIF1A c.271G>A variant is predicted to result in the amino acid substitution p.Val91Met. To our knowledge, this variant has not been reported in the literature or in a large population database, indicating this variant is rare. At this time, the clinical significance of this variant is uncertain due to the absence of conclusive functional and genetic evidence.

NM_001244008.2(KIF1A):c.271G>A (p.Val91Met)

Gene: KIF1A (kinesin family member 1A; minus strand). Cytogenetic location: 2q37.3.
Variant type: single nucleotide variant.
Coding change: c.271G>A on transcript NM_001244008.2 (MANE Select); coding-DNA position 271, G replaced by A.
Protein change: p.Val91Met; replaces valine 91 with methionine.
Molecular consequence: missense variant.
Genome position (GRCh38, 1-based): chr2:240,788,143, C>T on the plus strand (G>A on the coding strand, the complement: KIF1A is on the minus strand). VCF-style: chr2-240788143-C-T. GRCh37 (hg19) VCF-style: chr2-241727560-C-T.
Other names: c.271G>A, p.Val91Met (NM_001320705.2, NM_001330289.2, NM_001330290.2 and 20 more transcripts); short protein forms V91M.
Identifiers: ClinVar variation 3352849 (VCV003352849.2).